The following is an entry in ClinVar:

NM_007194.4(CHEK2):c.1333T>C (p.Tyr445His)

Gene: CHEK2 (checkpoint kinase 2; minus strand). Cytogenetic location: 22q12.1.
Variant type: single nucleotide variant.
Coding change: c.1333T>C on transcript NM_007194.4 (MANE Select); coding-DNA position 1333, T replaced by C.
Protein change: p.Tyr445His; replaces tyrosine 445 with histidine.
Molecular consequence: missense variant.
Genome position (GRCh38, 1-based): chr22:28,695,169, A>G on the plus strand (T>C on the coding strand, the complement: CHEK2 is on the minus strand). VCF-style: chr22-28695169-A-G. GRCh37 (hg19) VCF-style: chr22-29091157-A-G.
Other names: c.1462T>C, p.Tyr488His (NM_001005735.3); c.670T>C, p.Tyr224His (NM_001257387.3); c.1132T>C, p.Tyr378His (NM_001349956.3); c.1246T>C, p.Tyr416His (NM_145862.3); short protein forms Y445H, Y378H, Y224H, Y488H, Y416H.
Identifiers: ClinVar variation 133891 (VCV000133891.11), dbSNP rs587778194, ClinGen allele CA158100.

ClinVar aggregate classification (germline): Uncertain significance. Review status: criteria provided, multiple submitters, no conflicts (2 of 4 stars). 3 submissions from 3 submitters: Uncertain significance (2). 1 of the submissions does not count toward it. Last evaluated 2025-10-23.

Conditions:
Hereditary cancer-predisposing syndrome. Also called: Tumor predisposition; Hereditary neoplastic syndrome; Neoplastic Syndromes, Hereditary; Hereditary Cancer Syndrome. Identifiers: Orphanet 140162, MedGen C0027672, MeSH D009386, MONDO:0015356.
Familial cancer of breast. Also called: BREAST CANCER, FAMILIAL; hereditary breast carcinoma; Hereditary breast cancer. Identifiers: Orphanet 227535, MedGen C0346153, MONDO:0016419, OMIM 114480. Disease mechanism: loss of function.

Allele frequency attached by ClinVar (database versions not stated): gnomAD 0.00001.

Submissions (3):

Ambry Genetics
Classification: Uncertain significance for Hereditary cancer-predisposing syndrome. Last evaluated: 2025-10-23. Review status: criteria provided, single submitter. Criteria: Ambry Variant Classification Scheme 2023. Collection method: clinical testing. Allele origin: germline.
Comment: The p.Y445H variant (also known as c.1333T>C), located in coding exon 11 of the CHEK2 gene, results from a T to C substitution at nucleotide position 1333. The tyrosine at codon 445 is replaced by histidine, an amino acid with similar properties. This alteration behaved as semi-functional in an in vivo, yeast-based growth rate assay (Delimitsou A et al. Hum Mutat, 2019 05;40:631-648). This amino acid position is well conserved in available vertebrate species. In addition, the in silico prediction for this alteration is inconclusive. Since supporting evidence is limited at this time, the clinical significance of this alteration remains unclear.

Labcorp Genetics (formerly Invitae), Labcorp
Classification: Uncertain significance for Familial cancer of breast. Last evaluated: 2021-10-12. Review status: criteria provided, single submitter. Criteria: Invitae Variant Classification Sherloc (09022015). Collection method: clinical testing. Allele origin: germline.
Comment: This variant is not present in population databases (ExAC no frequency). This variant has not been reported in the literature in individuals affected with CHEK2-related conditions. Algorithms developed to predict the effect of missense changes on protein structure and function are either unavailable or do not agree on the potential impact of this missense change (SIFT: "Deleterious"; PolyPhen-2: "Benign"; Align-GVGD: "Class C0"). In summary, the available evidence is currently insufficient to determine the role of this variant in disease. Therefore, it has been classified as a Variant of Uncertain Significance. This sequence change replaces tyrosine with histidine at codon 445 of the CHEK2 protein (p.Tyr445His). The tyrosine residue is moderately conserved and there is a moderate physicochemical difference between tyrosine and histidine.

ITMI
No classification provided. Condition: AllHighlyPenetrant. Last evaluated: 2013-09-19. Review status: no classification provided. Collection method: reference population. Allele origin: germline. Not counted in ClinVar's aggregate classification.
Comment: Please see associated publication for description of ethnicities

Literature cited by the submitters: PubMed 25980754 (cited by Ambry Genetics); PubMed 30851065 (cited by Ambry Genetics); PubMed 24728327 (cited by ITMI).